The following is an entry in ClinVar:

NM_001164508.2(NEB):c.13788+1G>C

Gene: NEB (nebulin; minus strand). Cytogenetic location: 2q23.3.
Variant type: single nucleotide variant.
Coding change: c.13788+1G>C on transcript NM_001164508.2 (MANE Select); the canonical splice donor site of the intron after coding-DNA position 13788, G replaced by C.
Molecular consequence: splice donor variant. On other transcripts: intron variant (1).
Genome position (GRCh38, 1-based): chr2:151,600,441, C>G on the plus strand (G>C on the coding strand, the complement: NEB is on the minus strand). VCF-style: chr2-151600441-C-G. GRCh37 (hg19) VCF-style: chr2-152456955-C-G.
Other names: c.11601+9368G>C (NM_004543.5); c.13788+1G>C (NM_001164507.2, NM_001271208.2).
Identifiers: ClinVar variation 935753 (VCV000935753.10), dbSNP rs1553862061, ClinGen allele CA348768013.

ClinVar aggregate classification (germline): Pathogenic (1 of 4 stars; one submission).

Conditions:
Nemaline myopathy 2 (NEM2). Also called: Nemaline myopathy 2, autosomal recessive. Identifiers: MedGen C1850569, MONDO:0009725, OMIM 256030.

Submission:

Labcorp Genetics (formerly Invitae), Labcorp
Classification: Pathogenic for Nemaline myopathy 2. Last evaluated: 2024-01-27. Review status: criteria provided, single submitter. Criteria: Invitae Variant Classification Sherloc (09022015). Collection method: clinical testing. Allele origin: germline.
Comment: This variant occurs in a region of NEB (Exons 82-105) consisting of three highly homologous 8-exon repeat units (exons 82-89, exons 90-97, exons 98-105). Sequence variants in this region can be detected, but this assay cannot determine which of the three repeat units is affected, and zygosity is often ambiguous. All variants in this region are reported relative to the exon 82-89 repeat. This sequence change affects a donor splice site in intron 89 of the NEB gene. It is expected to disrupt RNA splicing. Variants that disrupt the donor or acceptor splice site typically lead to a loss of protein function (PMID: 16199547), and loss-of-function variants in NEB are known to be pathogenic (PMID: 25205138). The frequency data for this variant in the population databases (gnomAD) is considered unreliable due to the presence of homologous sequence, such as pseudogenes or paralogs, in the genome. Disruption of this splice site has been observed in individuals with clinical features of congenital myopathy (PMID: 25205138; Invitae). ClinVar contains an entry for this variant (Variation ID: 935753). Algorithms developed to predict the effect of sequence changes on RNA splicing suggest that this variant may disrupt the consensus splice site. For these reasons, this variant has been classified as Pathogenic.

Literature cited by the submitters: PubMed 16199547; PubMed 25205138.